The following is an entry in ClinVar:

ClinVar aggregate classification (germline): Uncertain significance. Review status: criteria provided, multiple submitters, no conflicts (2 of 4 stars). 3 submissions from 3 submitters: Uncertain significance (3). Last evaluated 2024-10-06.

Conditions:
Inborn genetic diseases. Identifiers: MedGen C0950123, MeSH D030342.
Immunodeficiency 23 (IMD23). Also called: IMMUNODEFICIENCY WITH HYPER IgE AND COGNITIVE IMPAIRMENT; IMMUNODEFICIENCY-VASCULITIS-MYOCLONUS SYNDROME. Identifiers: Orphanet 443811, MedGen C4014371, MONDO:0014353, OMIM 615816.

gnomAD v4.1: 14 of 1,597,528 alleles (0.00088%); highest among the groups gnomAD compares: Middle Eastern, 0.05%; no homozygotes.

Submissions (3):

Ambry Genetics
Classification: Uncertain significance for Inborn genetic diseases. Last evaluated: 2024-10-06. Review status: criteria provided, single submitter. Criteria: Ambry Variant Classification Scheme 2023. Collection method: clinical testing. Allele origin: germline.

Labcorp Genetics (formerly Invitae), Labcorp
Classification: Uncertain significance for Immunodeficiency 23. Last evaluated: 2024-06-15. Review status: criteria provided, single submitter. Criteria: Invitae Variant Classification Sherloc (09022015). Collection method: clinical testing. Allele origin: germline.
Comment: This sequence change replaces valine, which is neutral and non-polar, with phenylalanine, which is neutral and non-polar, at codon 174 of the PGM3 protein (p.Val174Phe). This variant is present in population databases (no rsID available, gnomAD 0.006%). This variant has not been reported in the literature in individuals affected with PGM3-related conditions. ClinVar contains an entry for this variant (Variation ID: 2161950). An algorithm developed to predict the effect of missense changes on protein structure and function (PolyPhen-2) suggests that this variant is likely to be disruptive. In summary, the available evidence is currently insufficient to determine the role of this variant in disease. Therefore, it has been classified as a Variant of Uncertain Significance.

Blueprint Genetics
Classification: Uncertain significance. Last evaluated: 2024-06-05. Review status: criteria provided, single submitter. Criteria: ACMG Guidelines, 2015. Collection method: clinical testing. Allele origin: germline.

NM_015599.3(PGM3):c.436G>T (p.Val146Phe)

Gene: PGM3 (phosphoglucomutase 3; minus strand). Cytogenetic location: 6q14.1.
Variant type: single nucleotide variant.
Coding change: c.436G>T on transcript NM_015599.3 (MANE Select); coding-DNA position 436, G replaced by T.
Protein change: p.Val146Phe; replaces valine 146 with phenylalanine.
Molecular consequence: missense variant. On other transcripts: non-coding transcript variant (1).
Genome position (GRCh38, 1-based): chr6:83,187,029, C>A on the plus strand (G>T on the coding strand, the complement: PGM3 is on the minus strand). VCF-style: chr6-83187029-C-A. GRCh37 (hg19) VCF-style: chr6-83896748-C-A.
Other names: c.520G>T, p.Val174Phe (NM_001199917.2, NM_001367287.1); c.193G>T, p.Val65Phe (NM_001199918.2); c.436G>T, p.Val146Phe (NM_001199919.2, NM_001367286.1); c.520G>T (NM_001199917.1); short protein forms V65F, V146F, V174F.
Identifiers: ClinVar variation 2161950 (VCV002161950.4), dbSNP rs1270609084, ClinGen allele CA364850490.